The following is an entry in ClinVar:

NM_001025603.2(RFX5):c.433G>C (p.Asp145His)

Gene: RFX5 (regulatory factor X5; minus strand). Cytogenetic location: 1q21.3.
Variant type: single nucleotide variant.
Coding change: c.433G>C on transcript NM_001025603.2 (MANE Select); coding-DNA position 433, G replaced by C.
Protein change: p.Asp145His; replaces aspartic acid 145 with histidine.
Molecular consequence: missense variant.
Genome position (GRCh38, 1-based): chr1:151,344,457, C>G on the plus strand (G>C on the coding strand, the complement: RFX5 is on the minus strand). VCF-style: chr1-151344457-C-G. GRCh37 (hg19) VCF-style: chr1-151316933-C-G.
Other names: c.433G>C, p.Asp145His (NM_000449.4, NM_001379412.1, NM_001379413.1 and 5 more transcripts); c.313G>C, p.Asp105His (NM_001379419.1, NM_001379420.1); short protein forms D145H, D105H.
Identifiers: ClinVar variation 874651 (VCV000874651.13), dbSNP rs999104857, ClinGen allele CA29559778.

ClinVar aggregate classification (germline): Uncertain significance. Review status: criteria provided, multiple submitters, no conflicts (2 of 4 stars). 5 submissions from 5 submitters: Uncertain significance (4). 1 of the submissions does not count toward it. Last evaluated 2026-04-23.

Conditions:
MHC class II deficiency. Also called: Bare lymphocyte syndrome 2; BLS, TYPE II. Identifiers: Orphanet 572, MedGen C5447452, MONDO:0008855.
MHC class II deficiency 3. Also called: Bare lymphocyte syndrome, type II, complementation group c. Identifiers: MedGen C1859536, MONDO:0971014, OMIM 620816.

Allele frequency attached by ClinVar (database versions not stated): gnomAD 0.00004 and 0.00005; TOPMed 0.00007.
gnomAD v4.1: 69 of 1,614,086 alleles (0.0043%); highest among the groups gnomAD compares: Middle Eastern, 0.049%; no homozygotes.

Submissions (5):

Women's Health and Genetics/Laboratory Corporation of America, LabCorp
Classification: Uncertain significance. Last evaluated: 2026-04-23. Review status: criteria provided, single submitter. Criteria: LabCorp Variant Classification Summary - May 2015. Collection method: clinical testing. Allele origin: germline.
Comment: Variant summary: RFX5 c.433G>C (p.Asp145His) results in a non-conservative amino acid change located in the DNA-binding RFX-type winged-helix domain (IPR003150) of the encoded protein sequence. Algorithms developed to predict the effect of missense changes on protein structure and function are either unavailable or do not agree on the potential impact of this missense change. The variant allele was found at a frequency of 3.2e-05 in 251452 control chromosomes. The available data on variant occurrences in the general population are insufficient to allow any conclusion about variant significance. c.433G>C has been observed as heterozygous in an individual affected with clinical features of MHC class II deficiency (MousaviK horshidi_2023). These report(s) do not provide unequivocal conclusions about association of the variant with Bare Lymphocyte Syndrome 2 - RFX5 Related. To our knowledge, no experimental evidence demonstrating an impact on protein function has been reported. The following publication have been ascertained in the context of this evaluation (PMID: 37584719). ClinVar contains an entry for this variant (Variation ID: 874651). Based on the evidence outlined above, the variant was classified as uncertain significance.

Genome-Nilou Lab
Classification: Uncertain significance for MHC class II deficiency 1. Last evaluated: 2023-04-11. Review status: criteria provided, single submitter. Criteria: ACMG Guidelines, 2015. Collection method: clinical testing. Allele origin: germline. Affected: no.

Labcorp Genetics (formerly Invitae), Labcorp
Classification: Uncertain significance for MHC class II deficiency. Last evaluated: 2022-08-16. Review status: criteria provided, single submitter. Criteria: Invitae Variant Classification Sherloc (09022015). Collection method: clinical testing. Allele origin: germline.
Comment: This sequence change replaces aspartic acid, which is acidic and polar, with histidine, which is basic and polar, at codon 145 of the RFX5 protein (p.Asp145His). This variant is present in population databases (no rsID available, gnomAD 0.02%). This variant has not been reported in the literature in individuals affected with RFX5-related conditions. ClinVar contains an entry for this variant (Variation ID: 874651). Algorithms developed to predict the effect of missense changes on protein structure and function are either unavailable or do not agree on the potential impact of this missense change (SIFT: "Tolerated"; PolyPhen-2: "Possibly Damaging"; Align-GVGD: "Class C0"). In summary, the available evidence is currently insufficient to determine the role of this variant in disease. Therefore, it has been classified as a Variant of Uncertain Significance.

Illumina Laboratory Services, Illumina
Classification: Uncertain significance for MHC class II deficiency 1. Last evaluated: 2018-01-12. Review status: criteria provided, single submitter. Criteria: ICSL Variant Classification Criteria 13 December 2019. Collection method: clinical testing. Allele origin: germline.

OMIM
Classification: Pathogenic for MHC CLASS II DEFICIENCY 3. Last evaluated: 2024-05-23. Review status: no assertion criteria provided. Collection method: literature only. Allele origin: germline. Not counted in ClinVar's aggregate classification.

Literature cited by the submitters: PubMed 37584719 (cited by Women's Health and Genetics/Laboratory Corporation of America, LabCorp and OMIM); Hamosh, A. Personal Communication. 2024. Baltimore, Md. (cited by OMIM).